The following is an entry in ClinVar:

NM_000443.4(ABCB4):c.823_824delinsTT (p.Glu275Leu)

Gene: ABCB4 (ATP binding cassette subfamily B member 4; minus strand). Cytogenetic location: 7q21.12.
Variant type: Indel.
Coding change: c.823_824delinsTT on transcript NM_000443.4 (MANE Select); coding-DNA positions 823 to 824, GA replaced by TT.
Protein change: p.Glu275Leu; replaces glutamic acid 275 with leucine.
Molecular consequence: missense variant.
Genome position (GRCh38, 1-based): chr7:87,449,977-87,449,978, TC replaced by AA on the plus strand (GA replaced by TT on the coding strand, the reverse complement: ABCB4 is on the minus strand). VCF-style: chr7-87449977-TC-AA. GRCh37 (hg19) VCF-style: chr7-87079293-TC-AA.
Other names: c.823_824delinsTT, p.Glu275Leu (NM_018849.3, NM_018850.3); short protein forms E275L.
Identifiers: ClinVar variation 4995725 (VCV004995725.1).

ClinVar aggregate classification (germline): Uncertain significance (1 of 4 stars; one submission).

Conditions:
ABCB4-related disorder. Also called: ABCB4-related disorders; ABCB4-related condition.

Submission:

PreventionGenetics, part of Exact Sciences
Classification: Uncertain significance for ABCB4-related condition. Last evaluated: 2025-11-26. Review status: criteria provided, single submitter. Criteria: ACMG Guidelines, 2015. Collection method: clinical testing. Allele origin: germline.
Comment: The ABCB4 c.823_824delinsTT variant is predicted to result in an in-frame deletion and insertion. To our knowledge, this variant has not been reported in the literature or in a large population database (gnomAD), indicating this variant is rare. At this time, the clinical significance of this variant is uncertain due to the absence of conclusive functional and genetic evidence.